The following is an entry in ClinVar:

NM_018206.6(VPS35):c.721A>G (p.Ile241Val)

Gene: VPS35 (VPS35 retromer complex component; minus strand). Cytogenetic location: 16q11.2.
Variant type: single nucleotide variant.
Coding change: c.721A>G on transcript NM_018206.6 (MANE Select); coding-DNA position 721, A replaced by G.
Protein change: p.Ile241Val; replaces isoleucine 241 with valine.
Molecular consequence: missense variant.
Genome position (GRCh38, 1-based): chr16:46,677,398, T>C on the plus strand (A>G on the coding strand, the complement: VPS35 is on the minus strand). VCF-style: chr16-46677398-T-C. GRCh37 (hg19) VCF-style: chr16-46711310-T-C.
Other names: short protein forms I241V.
Identifiers: ClinVar variation 3632467 (VCV003632467.2).

ClinVar aggregate classification (germline): Uncertain significance (1 of 4 stars; one submission).

Conditions:
Parkinson disease 17 (PARK17). Also called: VPS35-Related Parkinson Disease. Identifiers: Orphanet 411602, MedGen C3280133, MONDO:0013625, OMIM 614203.

gnomAD v4.1: 9 of 1,613,464 alleles (0.00056%); highest among the groups gnomAD compares: South Asian, 0.0011%; no homozygotes.

Submission:

Labcorp Genetics (formerly Invitae), Labcorp
Classification: Uncertain significance for Parkinson disease 17. Last evaluated: 2024-05-21. Review status: criteria provided, single submitter. Criteria: Invitae Variant Classification Sherloc (09022015). Collection method: clinical testing. Allele origin: germline.
Comment: This sequence change replaces isoleucine, which is neutral and non-polar, with valine, which is neutral and non-polar, at codon 241 of the VPS35 protein (p.Ile241Val). This variant is not present in population databases (gnomAD no frequency). This variant has not been reported in the literature in individuals affected with VPS35-related conditions. An algorithm developed to predict the effect of missense changes on protein structure and function (PolyPhen-2) suggests that this variant is likely to be tolerated. In summary, the available evidence is currently insufficient to determine the role of this variant in disease. Therefore, it has been classified as a Variant of Uncertain Significance.